The following is an entry in ClinVar:

ClinVar aggregate classification (germline): Uncertain significance. Review status: criteria provided, multiple submitters, no conflicts (2 of 4 stars). 4 submissions from 4 submitters: Uncertain significance (4). Last evaluated 2024-09-17.

Conditions:
Classic or attenuated familial adenomatous polyposis. Identifiers: MedGen CN372698, MONDO:0021057.
Hereditary cancer-predisposing syndrome. Also called: Tumor predisposition; Hereditary Cancer Syndrome; Hereditary neoplastic syndrome; Neoplastic Syndromes, Hereditary. Identifiers: Orphanet 140162, MedGen C0027672, MeSH D009386, MONDO:0015356.
Familial adenomatous polyposis 1 (FAP1). Also called: FAMILIAL ADENOMATOUS POLYPOSIS 1, ATTENUATED; POLYPOSIS, ADENOMATOUS INTESTINAL. Identifiers: MedGen C2713442, MONDO:0021056, OMIM 175100. Disease mechanism: loss of function.

Allele frequency attached by ClinVar (database versions not stated): gnomAD exomes below 0.00001; TOPMed below 0.00001; ExAC 0.00001.
gnomAD v4.1: 1 of 1,613,770 alleles (0.000062%); highest among the groups gnomAD compares: South Asian, 0.0011%; no homozygotes.

Submissions (4):

All of Us Research Program, National Institutes of Health
Classification: Uncertain significance for Classic or attenuated familial adenomatous polyposis. Last evaluated: 2024-09-17. Review status: criteria provided, single submitter. Criteria: ACMG Guidelines, 2015. Collection method: clinical testing. Allele origin: germline. Inheritance: Autosomal dominant inheritance. Observed: 1 variant allele, 1 heterozygote.
Comment: This study involves interpretation of variants in research participants for the purpose of population health screening. Participant phenotype was not available at the time of variant classification. Additional details can be found in publication PMID: 35346344, PMCID: PMC8962531

Labcorp Genetics (formerly Invitae), Labcorp
Classification: Uncertain significance for Familial adenomatous polyposis 1. Last evaluated: 2024-04-24. Review status: criteria provided, single submitter. Criteria: Invitae Variant Classification Sherloc (09022015). Collection method: clinical testing. Allele origin: germline.
Comment: This sequence change replaces isoleucine, which is neutral and non-polar, with threonine, which is neutral and polar, at codon 1779 of the APC protein (p.Ile1779Thr). This variant is present in population databases (rs730881252, gnomAD 0.003%). This variant has not been reported in the literature in individuals affected with APC-related conditions. ClinVar contains an entry for this variant (Variation ID: 181809). Advanced modeling of protein sequence and biophysical properties (such as structural, functional, and spatial information, amino acid conservation, physicochemical variation, residue mobility, and thermodynamic stability) performed at Invitae indicates that this missense variant is not expected to disrupt APC protein function with a negative predictive value of 95%. In summary, the available evidence is currently insufficient to determine the role of this variant in disease. Therefore, it has been classified as a Variant of Uncertain Significance.

Ambry Genetics
Classification: Uncertain significance for Hereditary cancer-predisposing syndrome. Last evaluated: 2023-10-27. Review status: criteria provided, single submitter. Criteria: Ambry Variant Classification Scheme 2023. Collection method: clinical testing. Allele origin: germline.
Comment: The p.I1779T variant (also known as c.5336T>C), located in coding exon 15 of the APC gene, results from a T to C substitution at nucleotide position 5336. The isoleucine at codon 1779 is replaced by threonine, an amino acid with similar properties. This amino acid position is poorly conserved in available vertebrate species. In addition, in silico predictors for this gene do not accurately predict pathogenicity. Since supporting evidence is limited at this time, the clinical significance of this alteration remains unclear.

GeneDx
Classification: Uncertain significance. Last evaluated: 2014-09-08. Review status: criteria provided, single submitter. Criteria: GeneDx Variant Classification (06012015). Collection method: clinical testing. Allele origin: germline. Affected: yes.
Comment: This variant is denoted APC c.5336T>C at the cDNA level, p.Ile1779Thr (I1779T) at the protein level, and results in the change of an Isoleucine to a Threonine (ATA>ACA). This variant has not, to our knowledge, been published in the literature as pathogenic or benign. APC Ile1779Thr was not observed in approximately 6,500 individuals of European and African American ancestry in the NHLBI Exome Sequencing Project, indicating it is not a common benign variant in these populations. Since Isoleucine and Threonine differ in polarity, charge, size or other properties, this is considered a non-conservative amino acid substitution. APC Ile1779Thr occurs at a position that is variable across species and is located in the beta-catenin down-regulating domain and SAMP repeats/AXIN binding domain (Azzopardi 2008). In silico analyses are inconsistent regarding the effect this variant may have on protein structure and function. Based on currently available information, it is unclear whether APC Ile1779Thr is pathogenic or benign. We consider it to be a variant of uncertain significance.

NM_000038.6(APC):c.5336T>C (p.Ile1779Thr)

Gene: APC (APC regulator of Wnt signaling pathway; plus strand). Cytogenetic location: 5q22.2.
Variant type: single nucleotide variant.
Coding change: c.5336T>C on transcript NM_000038.6 (MANE Select); coding-DNA position 5336, T replaced by C.
Protein change: p.Ile1779Thr; replaces isoleucine 1779 with threonine.
Molecular consequence: missense variant.
Genome position (GRCh38, 1-based): chr5:112,840,930, T>C. VCF-style: chr5-112840930-T-C. GRCh37 (hg19) VCF-style: chr5-112176627-T-C.
Other names: p.I1779T:ATA>ACA; c.5336T>C, p.Ile1779Thr (NM_001127510.3, NM_001354895.2); c.5282T>C, p.Ile1761Thr (NM_001127511.3); c.5390T>C, p.Ile1797Thr (NM_001354896.2); c.5366T>C, p.Ile1789Thr (NM_001354897.2); c.5261T>C, p.Ile1754Thr (NM_001354898.2); c.5252T>C, p.Ile1751Thr (NM_001354899.2); c.5213T>C, p.Ile1738Thr (NM_001354900.2); and 6 more; short protein forms I1761T, I1779T, I1619T, I1678T, I1720T, I1754T, I1789T, I1653T.
Identifiers: ClinVar variation 181809 (VCV000181809.11), dbSNP rs730881252, ClinGen allele CA010328.